The following is an entry in ClinVar:

ClinVar aggregate classification (germline): Uncertain significance. Review status: criteria provided, multiple submitters, no conflicts (2 of 4 stars). 6 submissions from 6 submitters: Uncertain significance (6). Last evaluated 2025-12-17.

Conditions:
Dilated Cardiomyopathy, Dominant.
Hypertrophic cardiomyopathy 26. Also called: Cardiomyopathy, familial hypertrophic, 26. Identifiers: Orphanet 75249, MedGen C4310749, MONDO:0014883, OMIM 617047.
Distal myopathy with posterior leg and anterior hand involvement. Also called: WILLIAMS DISTAL MYOPATHY. Identifiers: Orphanet 63273, MedGen C3279722, MONDO:0013550, OMIM 614065.
Myofibrillar myopathy 5. Also called: Filaminopathy (type); FILAMINOPATHY, AUTOSOMAL DOMINANT. Identifiers: Orphanet 171445, MedGen C1836050, MONDO:0012289, OMIM 609524.
FLNC-related disorder. Also called: FLNC-related condition; FLNC-related disorders.
Cardiovascular phenotype. Identifiers: MedGen CN230736.

Allele frequency attached by ClinVar (database versions not stated): ExAC 0.00001; gnomAD exomes 0.00002; TOPMed 0.00002.
gnomAD v4.1: 5 of 1,612,778 alleles (0.00031%); highest among the groups gnomAD compares: Admixed American, 0.0083%; no homozygotes.

Submissions (6):

PreventionGenetics, part of Exact Sciences
Classification: Uncertain significance for FLNC-related condition. Last evaluated: 2025-12-17. Review status: criteria provided, single submitter. Criteria: ACMG Guidelines, 2015. Collection method: clinical testing. Allele origin: germline.
Comment: The FLNC c.44G>T variant is predicted to result in the amino acid substitution p.Gly15Val. To our knowledge, this variant has not been reported in the literature. This variant is reported in 0.012% of alleles in individuals of Latino descent in gnomAD. Although we suspect that this variant may be benign, at this time, the clinical significance of this variant is uncertain due to the absence of conclusive functional and genetic evidence.

Mayo Clinic Laboratories, Mayo Clinic
Classification: Uncertain significance. Last evaluated: 2024-08-28. Review status: criteria provided, single submitter. Criteria: ACMG Guidelines, 2015. Collection method: clinical testing. Allele origin: germline. Observed: 1 variant allele.
Comment: BP4, PM2

Labcorp Genetics (formerly Invitae), Labcorp
Classification: Uncertain significance for Distal myopathy with posterior leg and anterior hand involvement; Myofibrillar myopathy 5; Hypertrophic cardiomyopathy 26. Last evaluated: 2024-04-25. Review status: criteria provided, single submitter. Criteria: Invitae Variant Classification Sherloc (09022015). Collection method: clinical testing. Allele origin: germline.
Comment: This sequence change replaces glycine, which is neutral and non-polar, with valine, which is neutral and non-polar, at codon 15 of the FLNC protein (p.Gly15Val). This variant is present in population databases (rs766081127, gnomAD 0.01%). This variant has not been reported in the literature in individuals affected with FLNC-related conditions. ClinVar contains an entry for this variant (Variation ID: 961261). Algorithms developed to predict the effect of missense changes on protein structure and function output the following: SIFT: "Not Available"; PolyPhen-2: "Benign"; Align-GVGD: "Not Available". The valine amino acid residue is found in multiple mammalian species, which suggests that this missense change does not adversely affect protein function. In summary, the available evidence is currently insufficient to determine the role of this variant in disease. Therefore, it has been classified as a Variant of Uncertain Significance.

Ambry Genetics
Classification: Uncertain significance for Cardiovascular phenotype. Last evaluated: 2024-03-02. Review status: criteria provided, single submitter. Criteria: Ambry Variant Classification Scheme 2023. Collection method: clinical testing. Allele origin: germline.
Comment: The p.G15V variant (also known as c.44G>T), located in coding exon 1 of the FLNC gene, results from a G to T substitution at nucleotide position 44. The glycine at codon 15 is replaced by valine, an amino acid with dissimilar properties. This amino acid position is conserved. In addition, this alteration is predicted to be tolerated by in silico analysis. Since supporting evidence is limited at this time, the clinical significance of this alteration remains unclear.

GeneDx
Classification: Uncertain significance. Last evaluated: 2023-05-02. Review status: criteria provided, single submitter. Criteria: GeneDx Variant Classification Process June 2021. Collection method: clinical testing. Allele origin: germline. Affected: yes.
Comment: Has not been previously published as pathogenic or benign to our knowledge; Not observed at significant frequency in large population cohorts (gnomAD); In silico analysis supports that this missense variant does not alter protein structure/function

Revvity Omics, Revvity
Classification: Uncertain significance. Last evaluated: 2019-05-09. Review status: criteria provided, single submitter. Criteria: ACMG Guidelines, 2015. Collection method: clinical testing. Allele origin: germline.

NM_001458.5(FLNC):c.44G>T (p.Gly15Val)

Gene: FLNC (filamin C; plus strand). Cytogenetic location: 7q32.1.
Variant type: single nucleotide variant.
Coding change: c.44G>T on transcript NM_001458.5 (MANE Select); coding-DNA position 44, G replaced by T.
Protein change: p.Gly15Val; replaces glycine 15 with valine.
Molecular consequence: missense variant.
Genome position (GRCh38, 1-based): chr7:128,830,681, G>T. VCF-style: chr7-128830681-G-T. GRCh37 (hg19) VCF-style: chr7-128470735-G-T.
Other names: p.Gly15Val; c.44G>T, p.Gly15Val (NM_001127487.2); short protein forms G15V.
Identifiers: ClinVar variation 961261 (VCV000961261.14), dbSNP rs766081127, ClinGen allele CA4473955.